The following is an entry in ClinVar:

ClinVar aggregate classification (germline): Benign. Review status: criteria provided, multiple submitters, no conflicts (2 of 4 stars). 2 submissions from 2 submitters: Benign (2). Last evaluated 2018-01-13.

Conditions:
Diaphyseal medullary stenosis-bone malignancy syndrome. Also called: MYOPATHY, LIMB-GIRDLE, WITH BONE FRAGILITY; BONE DYSPLASIA WITH MALIGNANT FIBROUS HISTIOCYTOMA; BONE DYSPLASIA WITH MEDULLARY FIBROSARCOMA. Identifiers: Orphanet 85182, MedGen C1862177, MONDO:0007205, OMIM 112250.

Allele frequency attached by ClinVar (database versions not stated): gnomAD exomes 0.26992; gnomAD 0.43473 and 0.43789; TOPMed 0.46483; 1000 Genomes Project 0.52995; 1000 Genomes Project 30x 0.53904.
gnomAD v4.1: 292,146 of 984,416 alleles (30%); highest among the groups gnomAD compares: African/African-American, 68%; 50,045 homozygotes.

Submissions (2):

Illumina Laboratory Services, Illumina
Classification: Benign for Diaphyseal medullary stenosis-bone malignancy syndrome. Last evaluated: 2018-01-13. Review status: criteria provided, single submitter. Criteria: ICSL Variant Classification Criteria 13 December 2019. Collection method: clinical testing. Allele origin: germline.
Comment: This variant was observed in the ICSL laboratory as part of a predisposition screen in an ostensibly healthy population. It had not been previously curated by ICSL or reported in the Human Gene Mutation Database (HGMD: prior to June 1st, 2018), and was therefore a candidate for classification through an automated scoring system. Utilizing variant allele frequency, disease prevalence and penetrance estimates, and inheritance mode, an automated score was calculated to assess if this variant is too frequent to cause the disease. Based on the score and internal cut-off values, a variant classified as benign is not then subjected to further curation. The score for this variant resulted in a classification of benign for this disease.

Breakthrough Genomics
Classification: Benign. Review status: criteria provided, single submitter. Criteria: ACMG Guidelines, 2015. Collection method: not provided. Allele origin: germline. Inheritance: Autosomal dominant inheritance. Affected: yes.

NM_002451.4(MTAP):c.*2365C>T

Gene: MTAP (methylthioadenosine phosphorylase; plus strand). Cytogenetic location: 9p21.3.
Variant type: single nucleotide variant.
Coding change: c.*2365C>T on transcript NM_002451.4 (MANE Select); 2365 bases downstream of the stop codon, C replaced by T.
Molecular consequence: 3 prime UTR variant.
Genome position (GRCh38, 1-based): chr9:21,864,379, C>T. VCF-style: chr9-21864379-C-T. GRCh37 (hg19) VCF-style: chr9-21864378-C-T.
Identifiers: ClinVar variation 366294 (VCV000366294.6), dbSNP rs10117550, ClinGen allele CA10633541.